The following is an entry in ClinVar:

NM_005475.3(SH2B3):c.689C>G (p.Pro230Arg)

Gene: SH2B3 (SH2B adaptor protein 3; plus strand). Cytogenetic location: 12q24.12.
Variant type: single nucleotide variant.
Coding change: c.689C>G on transcript NM_005475.3 (MANE Select); coding-DNA position 689, C replaced by G.
Protein change: p.Pro230Arg; replaces proline 230 with arginine.
Molecular consequence: missense variant.
Genome position (GRCh38, 1-based): chr12:111,418,834, C>G. VCF-style: chr12-111418834-C-G. GRCh37 (hg19) VCF-style: chr12-111856638-C-G.
Other names: short protein forms P230R.
Identifiers: ClinVar variation 3795201 (VCV003795201.1).

ClinVar aggregate classification (germline): Uncertain significance (1 of 4 stars; one submission).

Conditions:
Inborn genetic diseases. Identifiers: MedGen C0950123, MeSH D030342.

Submission:

Ambry Genetics
Classification: Uncertain significance for Inborn genetic diseases. Last evaluated: 2025-02-15. Review status: criteria provided, single submitter. Criteria: Ambry Variant Classification Scheme 2023. Collection method: clinical testing. Allele origin: germline.
Comment: The p.P230R variant (also known as c.689C>G), located in coding exon 1 of the SH2B3 gene, results from a C to G substitution at nucleotide position 689. The proline at codon 230 is replaced by arginine, an amino acid with dissimilar properties. This amino acid position is conserved. In addition, this alteration is predicted to be tolerated by in silico analysis. Based on the available evidence, the clinical significance of this variant remains unclear.